The following is an entry in ClinVar:

ClinVar aggregate classification (germline): Uncertain significance (1 of 4 stars; one submission).

Submission:

Labcorp Genetics (formerly Invitae), Labcorp
Classification: Uncertain significance. Last evaluated: 2023-09-11. Review status: criteria provided, single submitter. Criteria: Invitae Variant Classification Sherloc (09022015). Collection method: clinical testing. Allele origin: germline.
Comment: This variant, c.278_279insAGCCGGCAGCGGCGGCGGAGCCGGCAGCGGCGGCGG, results in the insertion of 12 amino acid(s) of the ARID1A protein (p.Gly93_Pro94insAlaGlySerGlyGlyGlyAlaGlySerGlyGlyGly), but otherwise preserves the integrity of the reading frame. This variant is not present in population databases (gnomAD no frequency). This variant has not been reported in the literature in individuals affected with ARID1A-related conditions. In summary, the available evidence is currently insufficient to determine the role of this variant in disease. Therefore, it has been classified as a Variant of Uncertain Significance.

NM_006015.6(ARID1A):c.261AGCCGGCAGCGGCGGCGG[3] (p.Gly93_Pro94insAlaGlySerGlyGlyGlyAlaGlySerGlyGlyGly)

Gene: ARID1A (AT-rich interaction domain 1A; plus strand). Cytogenetic location: 1p36.11.
Variant type: Microsatellite.
Coding change: c.261AGCCGGCAGCGGCGGCGG[3] on transcript NM_006015.6 (MANE Select); three copies in a row of the 18-base unit AGCCGGCAGCGGCGGCGG starting at c.261.
Protein change: p.Gly93_Pro94insAlaGlySerGlyGlyGlyAlaGlySerGlyGlyGly.
Molecular consequence: inframe insertion.
Genome position: GRCh38, VCF-style position (the base before the change): chr1:26,696,653. GRCh37 (hg19), VCF-style position (the base before the change): chr1:27,023,144.
Other names: c.261AGCCGGCAGCGGCGGCGG[3], p.Gly93_Pro94insAlaGlySerGlyGlyGlyAlaGlySerGlyGlyGly (NM_139135.4).
Identifiers: ClinVar variation 2756810 (VCV002756810.3), dbSNP rs749452696, ClinGen allele CA2697552301.